The following is an entry in ClinVar:

NM_000059.4(BRCA2):c.2704G>C (p.Ala902Pro)

Gene: BRCA2 (BRCA2 DNA repair associated; plus strand). Cytogenetic location: 13q13.1.
Variant type: single nucleotide variant.
Coding change: c.2704G>C on transcript NM_000059.4 (MANE Select); coding-DNA position 2704, G replaced by C.
Protein change: p.Ala902Pro; replaces alanine 902 with proline.
Molecular consequence: missense variant.
Genome position (GRCh38, 1-based): chr13:32,337,059, G>C. VCF-style: chr13-32337059-G-C. GRCh37 (hg19) VCF-style: chr13-32911196-G-C.
Other names: short protein forms A902P.
Identifiers: ClinVar variation 186457 (VCV000186457.19), dbSNP rs768648043, ClinGen allele CA016149.

ClinVar aggregate classification (germline): Conflicting classifications of pathogenicity. Review status: criteria provided, conflicting classifications (1 of 4 stars). 5 submissions from 5 submitters: Uncertain significance (4); Likely benign (1). Last evaluated 2025-10-27.

Conditions:
Hereditary breast ovarian cancer syndrome. Also called: Hereditary breast and ovarian cancer; Hereditary breast and ovarian cancer syndrome; Breast and ovarian cancer; Hereditary breast and ovarian cancer syndrome (HBOC); Hereditary breast and/or ovarian cancer syndrome; BRCA1- and BRCA2-Associated Hereditary Breast and Ovarian Cancer. Identifiers: Orphanet 145, MedGen C0677776, MeSH D061325, MONDO:0003582. Disease mechanism: loss of function.
Hereditary cancer-predisposing syndrome. Also called: Hereditary Cancer Syndrome; Neoplastic Syndromes, Hereditary; Tumor predisposition; Hereditary neoplastic syndrome. Identifiers: Orphanet 140162, MedGen C0027672, MeSH D009386, MONDO:0015356.
Breast-ovarian cancer, familial, susceptibility to, 2 (BROVCA2). Also called: BRCA2 Hereditary Breast and Ovarian Cancer. Identifiers: Orphanet 145, MedGen C2675520, MONDO:0012933, OMIM 612555. Disease mechanism: loss of function.

Allele frequency attached by ClinVar (database versions not stated): gnomAD exomes below 0.00001; ExAC 0.00001.

Submissions (5):

Labcorp Genetics (formerly Invitae), Labcorp
Classification: Uncertain significance for Hereditary breast ovarian cancer syndrome. Last evaluated: 2025-10-27. Review status: criteria provided, single submitter. Criteria: Invitae Variant Classification Sherloc (09022015). Collection method: clinical testing. Allele origin: germline.
Comment: This sequence change replaces alanine, which is neutral and non-polar, with proline, which is neutral and non-polar, at codon 902 of the BRCA2 protein (p.Ala902Pro). This variant is present in population databases (rs768648043, gnomAD 0.004%). This variant has not been reported in the literature in individuals affected with BRCA2-related conditions. ClinVar contains an entry for this variant (Variation ID: 186457). Invitae Evidence Modeling of protein sequence and biophysical properties (such as structural, functional, and spatial information, amino acid conservation, physicochemical variation, residue mobility, and thermodynamic stability) indicates that this missense variant is not expected to disrupt BRCA2 protein function with a negative predictive value of 95%. In summary, the available evidence is currently insufficient to determine the role of this variant in disease. Therefore, it has been classified as a Variant of Uncertain Significance.

Ambry Genetics
Classification: Uncertain significance for Hereditary cancer-predisposing syndrome. Last evaluated: 2025-02-14. Review status: criteria provided, single submitter. Criteria: Ambry Variant Classification Scheme 2023. Collection method: clinical testing. Allele origin: germline.
Comment: The p.A902P variant (also known as c.2704G>C), located in coding exon 10 of the BRCA2 gene, results from a G to C substitution at nucleotide position 2704. The alanine at codon 902 is replaced by proline, an amino acid with highly similar properties. This amino acid position is poorly conserved in available vertebrate species. In addition, this alteration is predicted to be tolerated by in silico analysis. Since supporting evidence is limited at this time, the clinical significance of this alteration remains unclear.

All of Us Research Program, National Institutes of Health
Classification: Uncertain significance for Breast-ovarian cancer, familial, susceptibility to, 2. Last evaluated: 2023-04-27. Review status: criteria provided, single submitter. Criteria: ACMG Guidelines, 2015. Collection method: clinical testing. Allele origin: germline. Inheritance: Autosomal dominant inheritance. Observed: 1 variant allele, 1 heterozygote.
Comment: This missense variant replaces alanine with proline at codon 902 of the BRCA2 protein. Computational prediction suggests that this variant may not impact protein structure and function (internally defined REVEL score threshold <= 0.5, PMID: 27666373). To our knowledge, functional studies have not been reported for this variant. This variant has not been reported in individuals affected with hereditary cancer in the literature. This variant has been identified in 1/242542 chromosomes in the general population by the Genome Aggregation Database (gnomAD). The available evidence is insufficient to determine the role of this variant in disease conclusively. Therefore, this variant is classified as a Variant of Uncertain Significance.

This study involves interpretation of variants in research participants for the purpose of population health screening. Participant phenotype was not available at the time of variant classification. Additional details can be found in publication PMID: 35346344, PMCID: PMC8962531

University of Washington Department of Laboratory Medicine, University of Washington
Classification: Likely benign for Hereditary cancer-predisposing syndrome. Last evaluated: 2023-03-23. Review status: criteria provided, single submitter. Criteria: Dines et al. (Genet Med. 2020). Collection method: curation. Allele origin: germline.
Comment: Missense variant in a coldspot region where missense variants are very unlikely to be pathogenic (PMID:31911673).

BRCA2 exon 11 coldspot. Reclassification based on statistical prior probability.

Color Diagnostics, LLC DBA Color Health
Classification: Uncertain significance for Hereditary cancer-predisposing syndrome. Last evaluated: 2021-09-30. Review status: criteria provided, single submitter. Criteria: ACMG Guidelines, 2015. Collection method: clinical testing. Allele origin: germline.
Comment: This missense variant replaces alanine with proline at codon 902 of the BRCA2 protein. Computational prediction suggests that this variant may not impact protein structure and function (internally defined REVEL score threshold <= 0.5, PMID: 27666373). To our knowledge, functional studies have not been reported for this variant. This variant has not been reported in individuals affected with hereditary cancer in the literature. This variant has been identified in 1/242542 chromosomes in the general population by the Genome Aggregation Database (gnomAD). The available evidence is insufficient to determine the role of this variant in disease conclusively. Therefore, this variant is classified as a Variant of Uncertain Significance.